The following is an entry in ClinVar:

NM_031935.3(HMCN1):c.861G>A (p.Val287=)

Gene: HMCN1 (hemicentin 1; plus strand). Cytogenetic location: 1q31.1.
Variant type: single nucleotide variant.
Coding change: c.861G>A on transcript NM_031935.3 (MANE Select); coding-DNA position 861, G replaced by A.
Protein change: p.Val287=; no amino-acid change (valine 287 retained).
Molecular consequence: synonymous variant.
Genome position (GRCh38, 1-based): chr1:185,911,741, G>A. VCF-style: chr1-185911741-G-A. GRCh37 (hg19) VCF-style: chr1-185880873-G-A.
Identifiers: ClinVar variation 294101 (VCV000294101.17), dbSNP rs138455877, ClinGen allele CA1290969.

ClinVar aggregate classification (germline): Benign/Likely benign. Review status: criteria provided, multiple submitters, no conflicts (2 of 4 stars). 6 submissions from 6 submitters: Benign (2); Likely benign (3). 1 of the submissions does not count toward it. Last evaluated 2025-10-16.

Conditions:
HMCN1-related disorder. Also called: HMCN1-related condition.
Age related macular degeneration 1 (ARMD1). Also called: MACULOPATHY, AGE-RELATED, 1. Identifiers: MedGen C1864205, MONDO:0011285, OMIM 603075.

Allele frequency attached by ClinVar (database versions not stated): gnomAD 0.00019 and 0.00024; TOPMed 0.00019; ESP Exome Variant Server 0.00038; gnomAD exomes 0.00045 and 0.00056; ExAC 0.00056.
gnomAD v4.1: 698 of 1,613,446 alleles (0.043%); highest among the groups gnomAD compares: South Asian, 0.28%; 1 homozygote.

Submissions (6):

Labcorp Genetics (formerly Invitae), Labcorp
Classification: Benign. Last evaluated: 2025-10-16. Review status: criteria provided, single submitter. Criteria: Invitae Variant Classification Sherloc (09022015). Collection method: clinical testing. Allele origin: germline.

Blueprint Genetics
Classification: Likely benign. Last evaluated: 2024-08-06. Review status: criteria provided, single submitter. Criteria: ACMG Guidelines, 2015. Collection method: clinical testing. Allele origin: germline.

Genome-Nilou Lab
Classification: Benign for Age related macular degeneration 1. Last evaluated: 2023-04-11. Review status: criteria provided, single submitter. Criteria: ACMG Guidelines, 2015. Collection method: clinical testing. Allele origin: germline. Affected: no.

Illumina Laboratory Services, Illumina
Classification: Likely benign for Age related macular degeneration 1. Last evaluated: 2018-01-13. Review status: criteria provided, single submitter. Criteria: ICSL Variant Classification Criteria 13 December 2019. Collection method: clinical testing. Allele origin: germline.
Comment: This variant was observed in the ICSL laboratory as part of a predisposition screen in an ostensibly healthy population. It had not been previously curated by ICSL or reported in the Human Gene Mutation Database (HGMD: prior to June 1st, 2018), and was therefore a candidate for classification through an automated scoring system. Utilizing variant allele frequency, disease prevalence and penetrance estimates, and inheritance mode, an automated score was calculated to assess if this variant is too frequent to cause the disease. Based on the score and internal cut-off values, a variant classified as likely benign is not then subjected to further curation. The score for this variant resulted in a classification of likely benign for this disease.

Breakthrough Genomics
Classification: Likely benign. Review status: criteria provided, single submitter. Criteria: ACMG Guidelines, 2015. Collection method: not provided. Allele origin: germline. Inheritance: Autosomal dominant inheritance. Affected: yes.

PreventionGenetics, part of Exact Sciences
Classification: Likely benign for HMCN1-related condition. Last evaluated: 2019-05-14. Review status: no assertion criteria provided. Collection method: clinical testing. Allele origin: germline. Not counted in ClinVar's aggregate classification.
Comment: This variant is classified as likely benign based on ACMG/AMP sequence variant interpretation guidelines (Richards et al. 2015 PMID: 25741868, with internal and published modifications).